The following is an entry in ClinVar:

ClinVar aggregate classification (germline): Likely benign. Review status: criteria provided, single submitter (1 of 4 stars). 2 submissions from 2 submitters: Likely benign (1). 1 of the submissions does not count toward it. Last evaluated 2018-01-09.

Conditions:
NLRP2-related disorder. Also called: NLRP2-related condition.

Allele frequency attached by ClinVar (database versions not stated): gnomAD 0.00038 and 0.00039; gnomAD exomes 0.00040 and 0.00066; TOPMed 0.00043; ExAC 0.00047; ESP Exome Variant Server 0.00054.
gnomAD v4.1: 685 of 1,614,096 alleles (0.042%); highest among the groups gnomAD compares: Middle Eastern, 0.1%; 4 homozygotes.

Submissions (2):

Labcorp Genetics (formerly Invitae), Labcorp
Classification: Likely benign. Last evaluated: 2018-01-09. Review status: criteria provided, single submitter. Criteria: Invitae Variant Classification Sherloc (09022015). Collection method: clinical testing. Allele origin: germline.

PreventionGenetics, part of Exact Sciences
Classification: Likely benign for NLRP2-related condition. Last evaluated: 2020-02-10. Review status: no assertion criteria provided. Collection method: clinical testing. Allele origin: germline. Not counted in ClinVar's aggregate classification.
Comment: This variant is classified as likely benign based on ACMG/AMP sequence variant interpretation guidelines (Richards et al. 2015 PMID: 25741868, with internal and published modifications).

NM_017852.5(NLRP2):c.1965G>A (p.Leu655=)

Gene: NLRP2 (NLR family pyrin domain containing 2; plus strand). Cytogenetic location: 19q13.42.
Variant type: single nucleotide variant.
Coding change: c.1965G>A on transcript NM_017852.5 (MANE Select); coding-DNA position 1965, G replaced by A.
Protein change: p.Leu655=; no amino-acid change (leucine 655 retained).
Molecular consequence: synonymous variant. On other transcripts: non-coding transcript variant (1).
Genome position (GRCh38, 1-based): chr19:54,983,663, G>A. VCF-style: chr19-54983663-G-A. GRCh37 (hg19) VCF-style: chr19-55495031-G-A.
Other names: c.1965G>A, p.Leu655= (NM_001174081.3); c.1899G>A, p.Leu633= (NM_001174082.3); c.1896G>A, p.Leu632= (NM_001174083.2); c.1956G>A, p.Leu652= (NM_001348003.2); c.1965G>A (NM_001174081.2).
Identifiers: ClinVar variation 718578 (VCV000718578.5), dbSNP rs142693093, ClinGen allele CA310105994.
Genomic context (GRCh38, chr19:54,983,663, plus strand): 5'-AGACGTTGTGCCATCTTCATTCTGCGTCAAGCACTGTCGAAACCTGCAGAAAATGTCACT[G>A]CAGGTAATAAAGGAGAATCTCCCGGAGAATGTCACTGCGTCTGAATCAGACGCCGAGGTT-3'
Protein context (NP_060322.1, residues 645-665): KHCRNLQKMS[Leu655=]QVIKENLPEN